The following is an entry in ClinVar:

NC_000023.10:g.(?_7137717)_(7252168_?)del

Gene: STS (steroid sulfatase; plus strand). Cytogenetic location: Xp22.31.
Variant type: Deletion.
Identifiers: ClinVar variation 3245789 (VCV003245789.1).

ClinVar aggregate classification (germline): Pathogenic (1 of 4 stars; one submission).

Submission:

Labcorp Genetics (formerly Invitae), Labcorp
Classification: Pathogenic. Last evaluated: 2023-09-14. Review status: criteria provided, single submitter. Criteria: Invitae Variant Classification Sherloc (09022015). Collection method: clinical testing. Allele origin: unknown.
Comment: For these reasons, this variant has been classified as Pathogenic. This variant has not been reported in the literature in individuals affected with STS-related conditions. This variant is a gross deletion of the genomic region encompassing exon(s) 1-9 of the STS gene, which includes the initiator codon. This deletion extends beyond the assayed region for this gene and therefore may encompass additional genes. It is expected to result in an absent or disrupted protein product. Loss-of-function variants in STS are known to be pathogenic (PMID: 9242515, 10844566, 21530180, 26762237).

Literature cited by the submitters: PubMed 9242515; PubMed 10844566; PubMed 21530180; PubMed 26762237.